The following is an entry in ClinVar:

NM_001371986.1(UNC80):c.3191G>A (p.Arg1064Gln)

Gene: UNC80 (unc-80 homolog, NALCN channel complex subunit; plus strand). Cytogenetic location: 2q34.
Variant type: single nucleotide variant.
Coding change: c.3191G>A on transcript NM_001371986.1 (MANE Select); coding-DNA position 3191, G replaced by A.
Protein change: p.Arg1064Gln; replaces arginine 1064 with glutamine.
Molecular consequence: missense variant.
Genome position (GRCh38, 1-based): chr2:209,839,371, G>A. VCF-style: chr2-209839371-G-A. GRCh37 (hg19) VCF-style: chr2-210704095-G-A.
Other names: c.3191G>A, p.Arg1064Gln (NM_032504.2); c.3176G>A, p.Arg1059Gln (NM_182587.4); c.3191G>A (NM_032504.1); short protein forms R1059Q, R1064Q.
Identifiers: ClinVar variation 1909017 (VCV001909017.3), dbSNP rs983037506, ClinGen allele CA64685165.

ClinVar aggregate classification (germline): Uncertain significance. Review status: criteria provided, multiple submitters, no conflicts (2 of 4 stars). 2 submissions from 2 submitters: Uncertain significance (2). Last evaluated 2022-11-25.

Allele frequency attached by ClinVar (database versions not stated): gnomAD exomes 0.00001.
gnomAD v4.1: 22 of 1,551,986 alleles (0.0014%); highest among the groups gnomAD compares: Non-Finnish European, 0.0017%; no homozygotes.

Submissions (2):

GeneDx
Classification: Uncertain significance. Last evaluated: 2022-11-25. Review status: criteria provided, single submitter. Criteria: GeneDx Variant Classification Process June 2021. Collection method: clinical testing. Allele origin: germline. Affected: yes.
Comment: Not observed at significant frequency in large population cohorts (gnomAD); In silico analysis supports that this missense variant does not alter protein structure/function; Has not been previously published as pathogenic or benign to our knowledge

Labcorp Genetics (formerly Invitae), Labcorp
Classification: Uncertain significance. Last evaluated: 2022-08-10. Review status: criteria provided, single submitter. Criteria: Invitae Variant Classification Sherloc (09022015). Collection method: clinical testing. Allele origin: germline.
Comment: This sequence change replaces arginine, which is basic and polar, with glutamine, which is neutral and polar, at codon 1064 of the UNC80 protein (p.Arg1064Gln). The frequency data for this variant in the population databases is considered unreliable, as metrics indicate poor data quality at this position in the gnomAD database. This variant has not been reported in the literature in individuals affected with UNC80-related conditions. Algorithms developed to predict the effect of missense changes on protein structure and function are either unavailable or do not agree on the potential impact of this missense change (SIFT: "Not Available"; PolyPhen-2: "Probably Damaging"; Align-GVGD: "Not Available"). In summary, the available evidence is currently insufficient to determine the role of this variant in disease. Therefore, it has been classified as a Variant of Uncertain Significance.